The following is an entry in ClinVar:

NM_152263.4(TPM3):c.85G>A (p.Glu29Lys)

Gene: TPM3 (tropomyosin 3; minus strand). Cytogenetic location: 1q21.3.
Variant type: single nucleotide variant.
Coding change: c.85G>A on transcript NM_152263.4 (MANE Select); coding-DNA position 85, G replaced by A.
Protein change: p.Glu29Lys; replaces glutamic acid 29 with lysine.
Molecular consequence: missense variant. On other transcripts: non-coding transcript variant (1).
Genome position (GRCh38, 1-based): chr1:154,191,934, C>T on the plus strand (G>A on the coding strand, the complement: TPM3 is on the minus strand). VCF-style: chr1-154191934-C-T. GRCh37 (hg19) VCF-style: chr1-154164410-C-T.
Other names: c.85G>A, p.Glu29Lys (NM_001364679.2, NM_001364680.2, NM_001364681.2 and 1 more transcripts); short protein forms E29K.
Identifiers: ClinVar variation 947576 (VCV000947576.10), dbSNP rs1663696530, ClinGen allele CA342587416.

ClinVar aggregate classification (germline): Uncertain significance (1 of 4 stars; one submission).

Conditions:
Congenital myopathy with fiber type disproportion. Also called: Congenital fiber-type disproportion myopathy; Congenital fiber-type disproportion. Identifiers: Orphanet 2020, MedGen C0546264, MONDO:0009711. Inheritance: all.
Congenital myopathy 4B, autosomal recessive. Also called: Nemaline myopathy 1, autosomal dominant or recessive. Identifiers: Orphanet 171433, Orphanet 171439, Orphanet 171881, MedGen C5829889, MONDO:0012239, OMIM 609284.

Submission:

Labcorp Genetics (formerly Invitae), Labcorp
Classification: Uncertain significance for Congenital myopathy with fiber type disproportion; Congenital myopathy 4B, autosomal recessive. Last evaluated: 2019-06-23. Review status: criteria provided, single submitter. Criteria: Invitae Variant Classification Sherloc (09022015). Collection method: clinical testing. Allele origin: germline.
Comment: In summary, the available evidence is currently insufficient to determine the role of this variant in disease. Therefore, it has been classified as a Variant of Uncertain Significance. Algorithms developed to predict the effect of missense changes on protein structure and function (SIFT, PolyPhen-2, Align-GVGD) all suggest that this variant is likely to be tolerated, but these predictions have not been confirmed by published functional studies and their clinical significance is uncertain. This variant has not been reported in the literature in individuals with TPM3-related conditions. This variant is not present in population databases (ExAC no frequency). This sequence change replaces glutamic acid with lysine at codon 29 of the TPM3 protein (p.Glu29Lys). The glutamic acid residue is highly conserved and there is a small physicochemical difference between glutamic acid and lysine.